The following is an entry in ClinVar:

NM_001126049.2(KLLN):c.226T>C (p.Phe76Leu)

Genes: KLLN (killin, p53 regulated DNA replication inhibitor; minus strand), LOC130004271 (ATAC-STARR-seq lymphoblastoid active region 3715; plus strand). Cytogenetic location: 10q23.31.
Variant type: single nucleotide variant.
Coding change: c.226T>C on transcript NM_001126049.2 (MANE Select); coding-DNA position 226, T replaced by C.
Protein change: p.Phe76Leu; replaces phenylalanine 76 with leucine.
Molecular consequence: missense variant.
Genome position (GRCh38, 1-based): chr10:87,862,262, A>G on the plus strand (T>C on the coding strand, the complement: KLLN is on the minus strand). VCF-style: chr10-87862262-A-G. GRCh37 (hg19) VCF-style: chr10-89622019-A-G.
Other names: short protein forms F76L.
Identifiers: ClinVar variation 1683532 (VCV001683532.2), dbSNP rs1858277807, ClinGen allele CA377785822.
Genomic context (GRCh38, chr10:87,862,262, plus strand): 5'-GAGCACCCCGAGCAAAGGAAGAAGACGACTTGCCTCCGGAGCTATCACTGGGGAGTGGGA[A>G]TTTGGAAAGTTCCCCAACTAGGGACACACGTGACCTCCTTCGGAAAGTAGTTCCGACTGT-3'
Protein context (NP_001119521.1, residues 66-86): RVSLVGELSK[Phe76Leu]PLPSDSSGGK

ClinVar aggregate classification (germline): Uncertain significance (1 of 4 stars; one submission).

Conditions:
Cowden syndrome 4 (CWS4). Also called: COWDEN DISEASE 4. Identifiers: Orphanet 201, MedGen C3554517, MONDO:0014046, OMIM 615107.

Submission:

Laboratorio de Genetica e Diagnostico Molecular, Hospital Israelita Albert Einstein
Classification: Uncertain significance for Cowden syndrome 4. Last evaluated: 2021-05-24. Review status: criteria provided, single submitter. Criteria: ACMG Guidelines, 2015. Collection method: clinical testing. Allele origin: germline. Affected: yes.
Comment: ACMG classification criteria: PM2 moderate, BP4 supporting